The following is an entry in ClinVar:

ClinVar aggregate classification (germline): Conflicting classifications of pathogenicity. Review status: criteria provided, conflicting classifications (1 of 4 stars). 3 submissions from 2 submitters: Uncertain significance (1); Benign (1); Likely benign (1). Last evaluated 2024-11-06.

Conditions:
Revesz syndrome. Also called: DYSKERATOSIS CONGENITA, AUTOSOMAL DOMINANT 5; EXUDATIVE RETINOPATHY WITH BONE MARROW FAILURE. Identifiers: Orphanet 3088, MedGen C1327916, MONDO:0009990, OMIM 268130.
Dyskeratosis congenita. Identifiers: Orphanet 1775, MedGen C0265965, MONDO:0015780.
Dyskeratosis congenita, autosomal dominant 3. Identifiers: MedGen C3151445, MONDO:0013522, OMIM 613990.

Allele frequency attached by ClinVar (database versions not stated): gnomAD exomes 0.00001 and 0.00005; TOPMed 0.00001; ExAC 0.00006.
gnomAD v4.1: 29 of 1,613,692 alleles (0.0018%); highest among the groups gnomAD compares: South Asian, 0.016%; no homozygotes.

Submissions (3):

Labcorp Genetics (formerly Invitae), Labcorp
Classification: Uncertain significance for Dyskeratosis congenita. Last evaluated: 2024-11-06. Review status: criteria provided, single submitter. Criteria: Invitae Variant Classification Sherloc (09022015). Collection method: clinical testing. Allele origin: germline.
Comment: This sequence change replaces lysine, which is basic and polar, with asparagine, which is neutral and polar, at codon 106 of the TINF2 protein (p.Lys106Asn). This variant is present in population databases (rs765992492, gnomAD 0.03%), and has an allele count higher than expected for a pathogenic variant. This variant has not been reported in the literature in individuals affected with TINF2-related conditions. ClinVar contains an entry for this variant (Variation ID: 846888). An algorithm developed to predict the effect of missense changes on protein structure and function (PolyPhen-2) suggests that this variant is likely to be disruptive. In summary, the available evidence is currently insufficient to determine the role of this variant in disease. Therefore, it has been classified as a Variant of Uncertain Significance.

Illumina Laboratory Services, Illumina
Classification: Likely benign for Dyskeratosis congenita, autosomal dominant 3. Last evaluated: 2018-01-12. Review status: criteria provided, single submitter. Criteria: ICSL Variant Classification Criteria 13 December 2019. Collection method: clinical testing. Allele origin: germline.
Comment: This variant was observed in the ICSL laboratory as part of a predisposition screen in an ostensibly healthy population. It had not been previously curated by ICSL or reported in the Human Gene Mutation Database (HGMD: prior to June 1st, 2018), and was therefore a candidate for classification through an automated scoring system. Utilizing variant allele frequency, disease prevalence and penetrance estimates, and inheritance mode, an automated score was calculated to assess if this variant is too frequent to cause the disease. Based on the score and internal cut-off values, a variant classified as likely benign is not then subjected to further curation. The score for this variant resulted in a classification of likely benign for this disease.

Illumina Laboratory Services, Illumina
Classification: Benign for Revesz syndrome. Last evaluated: 2018-01-12. Review status: criteria provided, single submitter. Criteria: ICSL Variant Classification Criteria 13 December 2019. Collection method: clinical testing. Allele origin: germline.
Comment: This variant was observed in the ICSL laboratory as part of a predisposition screen in an ostensibly healthy population. It had not been previously curated by ICSL or reported in the Human Gene Mutation Database (HGMD: prior to June 1st, 2018), and was therefore a candidate for classification through an automated scoring system. Utilizing variant allele frequency, disease prevalence and penetrance estimates, and inheritance mode, an automated score was calculated to assess if this variant is too frequent to cause the disease. Based on the score and internal cut-off values, a variant classified as benign is not then subjected to further curation. The score for this variant resulted in a classification of benign for this disease.

NM_001099274.3(TINF2):c.318G>C (p.Lys106Asn)

Gene: TINF2 (TERF1 interacting nuclear factor 2; minus strand). Cytogenetic location: 14q12.
Variant type: single nucleotide variant.
Coding change: c.318G>C on transcript NM_001099274.3 (MANE Select); coding-DNA position 318, G replaced by C.
Protein change: p.Lys106Asn; replaces lysine 106 with asparagine.
Molecular consequence: missense variant.
Genome position (GRCh38, 1-based): chr14:24,241,756, C>G on the plus strand (G>C on the coding strand, the complement: TINF2 is on the minus strand). VCF-style: chr14-24241756-C-G. GRCh37 (hg19) VCF-style: chr14-24710962-C-G.
Other names: c.213G>C, p.Lys71Asn (NM_001363668.2); c.318G>C, p.Lys106Asn (NM_012461.3); short protein forms K106N, K71N.
Identifiers: ClinVar variation 846888 (VCV000846888.13), dbSNP rs765992492, ClinGen allele CA7130694.